The following is an entry in ClinVar:

ClinVar aggregate classification (germline): Pathogenic. Review status: no assertion criteria provided (0 of 4 stars). 2 submissions from 2 submitters: Pathogenic (2). Last evaluated 2015-06-01.

Conditions:
Zimmermann-Laband syndrome 1 (ZLS1). Identifiers: Orphanet 3473, MedGen C4551773, MONDO:0024526, OMIM 135500.
Zimmermann-Laband syndrome 2 (ZLS2). Identifiers: Orphanet 3473, MedGen C4225321, MONDO:0014646, OMIM 616455.

Submissions (2):

OMIM
Classification: Pathogenic for ZIMMERMANN-LABAND SYNDROME 2. Last evaluated: 2015-06-01. Review status: no assertion criteria provided. Collection method: literature only. Allele origin: germline.

Reparto di Fisiopatologia delle Malattie Genetiche, Dipartimento di Ematologia, Oncologia; Istituto Superiore di Sanità
Classification: Pathogenic for Laband syndrome. Review status: no assertion criteria provided. Collection method: not provided. Allele origin: de novo.
Comment: Genomic DNA was isolated from peripheral blood leukocytes and buccal cells.
ClinVar note: Converted during submission from pathogenic to Pathogenic.

Literature cited by the submitters: PubMed 18541964 (cited by OMIM); PubMed 23994350 (cited by OMIM); PubMed 25915598 (cited by OMIM).

NM_001693.4(ATP6V1B2):c.1454G>C (p.Arg485Pro)

Gene: ATP6V1B2 (ATPase H+ transporting V1 subunit B2; plus strand). Cytogenetic location: 8p21.3.
Variant type: single nucleotide variant.
Coding change: c.1454G>C on transcript NM_001693.4 (MANE Select); coding-DNA position 1454, G replaced by C.
Protein change: p.Arg485Pro; replaces arginine 485 with proline.
Molecular consequence: missense variant.
Genome position (GRCh38, 1-based): chr8:20,220,320, G>C. VCF-style: chr8-20220320-G-C. GRCh37 (hg19) VCF-style: chr8-20077831-G-C.
Other names: short protein forms R485P.
Identifiers: ClinVar variation 183414 (VCV000183414.3), dbSNP rs730882177, ClinGen allele CA215100.